The following is an entry in ClinVar:

ClinVar aggregate classification (germline): Conflicting classifications of pathogenicity. Review status: criteria provided, conflicting classifications (1 of 4 stars). 4 submissions from 4 submitters: Uncertain significance (2); Likely benign (2). Last evaluated 2025-04-01.

Conditions:
Inborn genetic diseases. Identifiers: MedGen C0950123, MeSH D030342.
Hereditary sensory neuropathy-deafness-dementia syndrome. Also called: NEUROPATHY, HEREDITARY SENSORY, WITH HEARING LOSS AND DEMENTIA; HSN IE; Hereditary sensory neuropathy type IE; Hereditary Sensory and Autonomic Neuropathy Type 1E (HSAN1E). Identifiers: Orphanet 456318, MedGen C3279885, MONDO:0013584, OMIM 614116.

Allele frequency attached by ClinVar (database versions not stated): gnomAD exomes 0.00002 and 0.00005; ExAC 0.00004; gnomAD 0.00007 and 0.00009; TOPMed 0.00009; ESP Exome Variant Server 0.00015; 1000 Genomes Project 30x 0.00016; 1000 Genomes Project 0.00020.

Submissions (4):

CeGaT Center for Human Genetics Tuebingen
Classification: Likely benign. Last evaluated: 2025-04-01. Review status: criteria provided, single submitter. Criteria: CeGaT Center For Human Genetics Tuebingen Variant Classification Criteria Version 2. Collection method: clinical testing. Allele origin: germline. Affected: yes. Observed: 1 variant allele.
Comment: DNMT1: BP4

Labcorp Genetics (formerly Invitae), Labcorp
Classification: Uncertain significance for Hereditary sensory neuropathy-deafness-dementia syndrome. Last evaluated: 2023-05-05. Review status: criteria provided, single submitter. Criteria: Invitae Variant Classification Sherloc (09022015). Collection method: clinical testing. Allele origin: germline.
Comment: This sequence change replaces proline, which is neutral and non-polar, with leucine, which is neutral and non-polar, at codon 348 of the DNMT1 protein (p.Pro348Leu). This variant is present in population databases (rs370592431, gnomAD 0.02%). This variant has not been reported in the literature in individuals affected with DNMT1-related conditions. ClinVar contains an entry for this variant (Variation ID: 644560). Algorithms developed to predict the effect of missense changes on protein structure and function output the following: SIFT: "Not Available"; PolyPhen-2: "Benign"; Align-GVGD: "Not Available". The leucine amino acid residue is found in multiple mammalian species, which suggests that this missense change does not adversely affect protein function. In summary, the available evidence is currently insufficient to determine the role of this variant in disease. Therefore, it has been classified as a Variant of Uncertain Significance.

Ambry Genetics
Classification: Likely benign for Inborn genetic diseases. Last evaluated: 2021-05-28. Review status: criteria provided, single submitter. Criteria: Ambry Variant Classification Scheme 2023. Collection method: clinical testing. Allele origin: germline.

ARUP Laboratories, Molecular Genetics and Genomics, ARUP Laboratories
Classification: Uncertain significance. Last evaluated: 2019-10-09. Review status: criteria provided, single submitter. Criteria: ARUP Molecular Germline Variant Investigation Process. Collection method: clinical testing. Allele origin: germline.
Comment: The DNMT1 c.1043C>T; p.Pro348Leu variant (rs370592431), to our knowledge, is not reported in the medical literature but is reported in ClinVar (Variation ID: 644560). This variant is found in the general population with a low overall allele frequency of 0.005% (13/282842 alleles) in the Genome Aggregation Database. The proline at codon 348 is weakly conserved and computational analyses (SIFT, PolyPhen-2) predict that this amino acid substitution is tolerated. However, this variant occurs in the last nucleotide of exon 14, and computational analyses of splicing (Alamut v.2.11) suggest that this variant may impact splicing by weakening the nearby canonical donor splice site, although RNA studies would be required to confirm this. Due to limited information, the clinical significance of the p.Pro348Leu variant is uncertain at this time.

NM_001130823.3(DNMT1):c.1043C>T (p.Pro348Leu)

Gene: DNMT1 (DNA methyltransferase 1; minus strand). Cytogenetic location: 19p13.2.
Variant type: single nucleotide variant.
Coding change: c.1043C>T on transcript NM_001130823.3 (MANE Select); coding-DNA position 1043, C replaced by T.
Protein change: p.Pro348Leu; replaces proline 348 with leucine.
Molecular consequence: missense variant.
Genome position (GRCh38, 1-based): chr19:10,160,384, G>A on the plus strand (C>T on the coding strand, the complement: DNMT1 is on the minus strand). VCF-style: chr19-10160384-G-A. GRCh37 (hg19) VCF-style: chr19-10271060-G-A.
Other names: c.995C>T, p.Pro332Leu (NM_001318730.2, NM_001379.4); c.680C>T, p.Pro227Leu (NM_001318731.2); c.1043C>T (LRG_362t1); short protein forms P348L, P227L, P332L.
Identifiers: ClinVar variation 644560 (VCV000644560.27), dbSNP rs370592431, ClinGen allele CA9188440.
Genomic context (GRCh38, chr19:10,160,384, plus strand): 5'-CTAGAACCATCATTTTAACATTACCATCTGCTTTCGATAATGTCAAGAATAAATTCTTAC[G>A]GTTCTTTGGGGGTCGTTTTGCGTCTCTTCTCCTCCTACACAGGGAAAACAAAAGAGGATT-3'
Protein context (NP_001124295.1, residues 338-358): EKRRKTTPKE[Pro348Leu]TEKKMARAKT